The following is an entry in ClinVar:

ClinVar aggregate classification (germline): Uncertain significance. Review status: criteria provided, multiple submitters, no conflicts (2 of 4 stars). 2 submissions from 2 submitters: Uncertain significance (2). Last evaluated 2021-11-23.

Conditions:
Inborn genetic diseases. Identifiers: MedGen C0950123, MeSH D030342.
Hereditary spastic paraplegia 45. Also called: Spastic paraplegia 45, autosomal recessive; SPASTIC PARAPLEGIA 45. Identifiers: Orphanet 320396, MedGen C3888209, MONDO:0013165, OMIM 613162.

Allele frequency attached by ClinVar (database versions not stated): gnomAD exomes below 0.00001; TOPMed below 0.00001.
gnomAD v4.1: 2 of 1,613,994 alleles (0.00012%); highest among the groups gnomAD compares: Non-Finnish European, 0.00017%; no homozygotes.

Submissions (2):

Ambry Genetics
Classification: Uncertain significance for Inborn genetic diseases. Last evaluated: 2021-11-23. Review status: criteria provided, single submitter. Criteria: Ambry Variant Classification Scheme 2023. Collection method: clinical testing. Allele origin: germline.

Labcorp Genetics (formerly Invitae), Labcorp
Classification: Uncertain significance for Hereditary spastic paraplegia 45. Last evaluated: 2019-11-27. Review status: criteria provided, single submitter. Criteria: Invitae Variant Classification Sherloc (09022015). Collection method: clinical testing. Allele origin: germline.
Comment: In summary, the available evidence is currently insufficient to determine the role of this variant in disease. Therefore, it has been classified as a Variant of Uncertain Significance. Algorithms developed to predict the effect of missense changes on protein structure and function (SIFT, PolyPhen-2, Align-GVGD) all suggest that this variant is likely to be disruptive, but these predictions have not been confirmed by published functional studies and their clinical significance is uncertain. This variant has not been reported in the literature in individuals with NT5C2-related conditions. This variant is not present in population databases (ExAC no frequency). This sequence change replaces methionine with threonine at codon 430 of the NT5C2 protein (p.Met430Thr). The methionine residue is highly conserved and there is a moderate physicochemical difference between methionine and threonine.

NM_001351169.2(NT5C2):c.1289T>C (p.Met430Thr)

Gene: NT5C2 (5'-nucleotidase, cytosolic II; minus strand). Cytogenetic location: 10q24.32.
Variant type: single nucleotide variant.
Coding change: c.1289T>C on transcript NM_001351169.2 (MANE Select); coding-DNA position 1289, T replaced by C.
Protein change: p.Met430Thr; replaces methionine 430 with threonine.
Molecular consequence: missense variant.
Genome position (GRCh38, 1-based): chr10:103,090,771, A>G on the plus strand (T>C on the coding strand, the complement: NT5C2 is on the minus strand). VCF-style: chr10-103090771-A-G. GRCh37 (hg19) VCF-style: chr10-104850528-A-G.
Other names: c.1289T>C, p.Met430Thr (NM_001134373.3, NM_012229.5); c.1313T>C, p.Met438Thr (NM_001351170.2, NM_001351171.2, NM_001351172.2 and 1 more transcripts); c.1202T>C, p.Met401Thr (NM_001351174.1); c.1196T>C, p.Met399Thr (NM_001351175.2); c.716T>C, p.Met239Thr (NM_001351176.2, NM_001351177.2, NM_001351178.2 and 16 more transcripts); c.575T>C, p.Met192Thr (NM_001351194.2, NM_001351195.2, NM_001351196.2); short protein forms M399T, M192T, M438T, M239T, M401T, M430T.
Identifiers: ClinVar variation 845619 (VCV000845619.10), dbSNP rs1433755096, ClinGen allele CA377969172.